The following is an entry in ClinVar:

ClinVar aggregate classification (germline): Uncertain significance (1 of 4 stars; one submission).

Conditions:
Dyskeratosis congenita. Identifiers: Orphanet 1775, MedGen C0265965, MONDO:0015780.

Submission:

Labcorp Genetics (formerly Invitae), Labcorp
Classification: Uncertain significance for Dyskeratosis congenita. Last evaluated: 2023-11-21. Review status: criteria provided, single submitter. Criteria: Invitae Variant Classification Sherloc (09022015). Collection method: clinical testing. Allele origin: germline.
Comment: This sequence change replaces lysine, which is basic and polar, with asparagine, which is neutral and polar, at codon 504 of the DKC1 protein (p.Lys504Asn). This variant is not present in population databases (gnomAD no frequency). This variant has not been reported in the literature in individuals affected with DKC1-related conditions. ClinVar contains an entry for this variant (Variation ID: 529180). An algorithm developed to predict the effect of missense changes on protein structure and function (PolyPhen-2) suggests that this variant is likely to be tolerated. In summary, the available evidence is currently insufficient to determine the role of this variant in disease. Therefore, it has been classified as a Variant of Uncertain Significance.

NM_001363.5(DKC1):c.1512G>T (p.Lys504Asn)

Gene: DKC1 (dyskerin pseudouridine synthase 1; plus strand). Cytogenetic location: Xq28.
Variant type: single nucleotide variant.
Coding change: c.1512G>T on transcript NM_001363.5 (MANE Select); coding-DNA position 1512, G replaced by T.
Protein change: p.Lys504Asn; replaces lysine 504 with asparagine.
Molecular consequence: missense variant. On other transcripts: 3 prime UTR variant (1), non-coding transcript variant (3).
Genome position (GRCh38, 1-based): chrX:154,776,834, G>T. VCF-style: chrX-154776834-G-T. GRCh37 (hg19) VCF-style: chrX-154005109-G-T.
Other names: c.1497G>T, p.Lys499Asn (NM_001142463.3); c.*738G>T (NM_001288747.2); short protein forms K504N, K499N.
Identifiers: ClinVar variation 529180 (VCV000529180.8), dbSNP rs1557265783, ClinGen allele CA414900923.